The following is an entry in ClinVar:

ClinVar aggregate classification (germline): Likely pathogenic (1 of 4 stars; one submission).

Conditions:
Rubinstein-Taybi syndrome due to CREBBP mutations (RSTS1). Also called: Rubinstein-Taybi syndrome 1; RUBINSTEIN SYNDROME; BROAD THUMBS AND GREAT TOES, CHARACTERISTIC FACIES, AND IMPAIRED INTELLECTUAL DEVELOPMENT; CREBBP-Related Rubinstein-Taybi Syndrome; RUBINSTEIN-TAYBI SYNDROME 1, INCOMPLETE; BROAD THUMB-HALLUX SYNDROME. Identifiers: Orphanet 353277, Orphanet 783, MedGen C4551859, MONDO:0008393, OMIM 180849.

Submission:

3billion
Classification: Likely pathogenic for Rubinstein-Taybi syndrome due to CREBBP mutations. Review status: criteria provided, single submitter. Criteria: ACMG Guidelines, 2015. Collection method: clinical testing. Allele origin: unknown. Affected: yes. Observed: 1 heterozygote.
Comment: The variant is not observed in the gnomAD v2.1.1 dataset. The variant is predicted to alter splicing and result in a loss or disruption of normal protein function. Multiple pathogenic loss-of-function variants are reported downstream of the variant. Therefore, this variant is classified as Likely pathogenic according to the recommendation of ACMG/AMP guideline.

NM_004380.3(CREBBP):c.2113+1G>C

Gene: CREBBP (CREB binding lysine acetyltransferase; minus strand). Cytogenetic location: 16p13.3.
Variant type: single nucleotide variant.
Coding change: c.2113+1G>C on transcript NM_004380.3 (MANE Select); the canonical splice donor site of the intron after coding-DNA position 2113, G replaced by C.
Molecular consequence: splice donor variant.
Genome position (GRCh38, 1-based): chr16:3,778,010, C>G on the plus strand (G>C on the coding strand, the complement: CREBBP is on the minus strand). VCF-style: chr16-3778010-C-G. GRCh37 (hg19) VCF-style: chr16-3828011-C-G.
Other names: c.1999+1G>C (NM_001079846.1).
Identifiers: ClinVar variation 2572396 (VCV002572396.1), dbSNP rs2141232415, ClinGen allele CA394554229.